The following is an entry in ClinVar:

ClinVar aggregate classification (germline): Likely benign (1 of 4 stars; one submission).

Submission:

CeGaT Center for Human Genetics Tuebingen
Classification: Likely benign. Last evaluated: 2022-12-01. Review status: criteria provided, single submitter. Criteria: CeGaT Center For Human Genetics Tuebingen Variant Classification Criteria Version 2. Collection method: clinical testing. Allele origin: germline. Affected: yes. Observed: 4 variant alleles.
Comment: TGFBR1: BS1

NM_004612.4(TGFBR1):c.*1687_*1688del

Gene: TGFBR1 (transforming growth factor beta receptor 1; plus strand). Cytogenetic location: 9q22.33.
Variant type: Deletion.
Coding change: c.*1687_*1688del on transcript NM_004612.4 (MANE Select); 1687 bases downstream of the stop codon through 1688 bases downstream of the stop codon, 2 bases deleted (AT; older notation c.*1687_*1688delAT).
Molecular consequence: 3 prime UTR variant.
Genome position (GRCh38, 1-based): chr9:99,150,992-99,150,993, AT deleted; deleting any 2 consecutive bases within chr9:99,150,991-99,150,993 gives the same sequence; the c. name uses the placement nearest the transcript's 3' end. VCF-style (leftmost placement, unchanged base first): chr9-99150990-CTA-C. GRCh37 (hg19) VCF-style: chr9-101913272-CTA-C.
Other names: c.*1687_*1688del (NM_001130916.3, NM_001306210.2); c.*1687_*1688delAT (NM_001407416.1, NM_001407417.1, NM_001407418.1 and 18 more transcripts).
Identifiers: ClinVar variation 1711689 (VCV001711689.30), dbSNP rs780605360, ClinGen allele CA196850217.